The following is an entry in ClinVar:

ClinVar aggregate classification (germline): Uncertain significance (1 of 4 stars; one submission).

Conditions:
Exostoses, multiple, type 2 (EXT2). Also called: EXOSTOSES, MULTIPLE, TYPE II; Hereditary Multiple Osteochondromatosis, Type II. Identifiers: Orphanet 321, MedGen C1851413, MONDO:0007586, OMIM 133701.

Submission:

Labcorp Genetics (formerly Invitae), Labcorp
Classification: Uncertain significance for Exostoses, multiple, type 2. Last evaluated: 2025-01-06. Review status: criteria provided, single submitter. Criteria: Invitae Variant Classification Sherloc (09022015). Collection method: clinical testing. Allele origin: germline.
Comment: This sequence change replaces leucine, which is neutral and non-polar, with isoleucine, which is neutral and non-polar, at codon 177 of the EXT2 protein (p.Leu177Ile). Information on the frequency of this variant in the gnomAD database is not available, as this variant may be reported differently in the database. This variant has not been reported in the literature in individuals affected with EXT2-related conditions. ClinVar contains an entry for this variant (Variation ID: 1951856). Experimental studies and prediction algorithms are not available or were not evaluated, and the functional significance of this variant is currently unknown. In summary, the available evidence is currently insufficient to determine the role of this variant in disease. Therefore, it has been classified as a Variant of Uncertain Significance.

NM_207122.2(EXT2):c.528_529delinsAA (p.Leu177Ile)

Gene: EXT2 (exostosin glycosyltransferase 2; plus strand). Cytogenetic location: 11p11.2.
Variant type: Indel.
Coding change: c.528_529delinsAA on transcript NM_207122.2 (MANE Select); coding-DNA positions 528 to 529, GC replaced by AA.
Protein change: p.Leu177Ile; replaces leucine 177 with isoleucine.
Molecular consequence: missense variant.
Genome position (GRCh38, 1-based): chr11:44,108,240-44,108,241, GC replaced by AA. VCF-style: chr11-44108240-GC-AA. GRCh37 (hg19) VCF-style: chr11-44129790-GC-AA.
Other names: c.627_628delinsAA, p.Leu210Ile (NM_000401.3); c.528_529delinsAA, p.Leu177Ile (NM_001178083.3, NM_001389628.1, NM_001389630.1); short protein forms L210I, L177I.
Identifiers: ClinVar variation 1951856 (VCV001951856.5), dbSNP rs2539518090, ClinGen allele CA2580084105.